The following is an entry in ClinVar:

ClinVar aggregate classification (germline): Uncertain significance. Review status: criteria provided, multiple submitters, no conflicts (2 of 4 stars). 2 submissions from 2 submitters: Uncertain significance (2). Last evaluated 2024-11-25.

Conditions:
Generalized epilepsy-paroxysmal dyskinesia syndrome (PNKD3). Also called: Generalized epilepsy and paroxysmal dyskinesia; Paroxysmal nonkinesigenic dyskinesia, 3, with or without generalized epilepsy. Identifiers: Orphanet 79137, MedGen C5574945, MONDO:0012276, OMIM 609446.

Allele frequency attached by ClinVar (database versions not stated): gnomAD exomes below 0.00001; ExAC 0.00002; gnomAD 0.00003; TOPMed 0.00003; 1000 Genomes Project 30x 0.00016; 1000 Genomes Project 0.00020.
gnomAD v4.1: 7 of 1,614,106 alleles (0.00043%); highest among the groups gnomAD compares: African/African-American, 0.0093%; no homozygotes.

Submissions (2):

Labcorp Genetics (formerly Invitae), Labcorp
Classification: Uncertain significance for Generalized epilepsy-paroxysmal dyskinesia syndrome. Last evaluated: 2024-11-25. Review status: criteria provided, single submitter. Criteria: Invitae Variant Classification Sherloc (09022015). Collection method: clinical testing. Allele origin: germline.
Comment: This sequence change replaces isoleucine, which is neutral and non-polar, with threonine, which is neutral and polar, at codon 875 of the KCNMA1 protein (p.Ile875Thr). This variant is present in population databases (rs563447007, gnomAD 0.02%). This variant has not been reported in the literature in individuals affected with KCNMA1-related conditions. ClinVar contains an entry for this variant (Variation ID: 2414040). Invitae Evidence Modeling of protein sequence and biophysical properties (such as structural, functional, and spatial information, amino acid conservation, physicochemical variation, residue mobility, and thermodynamic stability) indicates that this missense variant is not expected to disrupt KCNMA1 protein function with a negative predictive value of 80%. In summary, the available evidence is currently insufficient to determine the role of this variant in disease. Therefore, it has been classified as a Variant of Uncertain Significance.

Women's Health and Genetics/Laboratory Corporation of America, LabCorp
Classification: Uncertain significance. Last evaluated: 2024-06-21. Review status: criteria provided, single submitter. Criteria: LabCorp Variant Classification Summary - May 2015. Collection method: clinical testing. Allele origin: germline.
Comment: Variant summary: KCNMA1 c.2798T>C (p.Ile933Thr) results in a non-conservative amino acid change in the encoded protein sequence. Three of five in-silico tools predict a benign effect of the variant on protein function. The variant allele was found at a frequency of 1.2e-05 in 251444 control chromosomes. The available data on variant occurrences in the general population are insufficient to allow any conclusion about variant significance. To our knowledge, no occurrence of c.2798T>C in individuals affected with Paroxysmal Nonkinesigenic Dyskinesia, 3, With Or Without Generalized Epilepsy and no experimental evidence demonstrating its impact on protein function have been reported. ClinVar contains an entry for this variant (Variation ID: 2414040). Based on the evidence outlined above, the variant was classified as uncertain significance.

NM_001161352.2(KCNMA1):c.2798T>C (p.Ile933Thr)

Genes: KCNMA1 (potassium calcium-activated channel subfamily M alpha 1; minus strand), KCNMA1-AS1 (KCNMA1 antisense RNA 1; plus strand). Cytogenetic location: 10q22.3.
Variant type: single nucleotide variant.
Coding change: c.2798T>C on transcript NM_001161352.2 (MANE Select); coding-DNA position 2798, T replaced by C.
Protein change: p.Ile933Thr; replaces isoleucine 933 with threonine.
Molecular consequence: missense variant.
Genome position (GRCh38, 1-based): chr10:76,944,877, A>G on the plus strand (T>C on the coding strand, the complement: KCNMA1 is on the minus strand). VCF-style: chr10-76944877-A-G. GRCh37 (hg19) VCF-style: chr10-78704635-A-G.
Other names: c.2636T>C, p.Ile879Thr (NM_001014797.3, NM_001322835.2, NM_001322837.2); c.2747T>C, p.Ile916Thr (NM_001161353.2); c.2474T>C, p.Ile825Thr (NM_001271518.2); c.2633T>C, p.Ile878Thr (NM_001271519.2, NM_001322829.2, NM_001322836.2); c.2645T>C, p.Ile882Thr (NM_001322830.2); c.2624T>C, p.Ile875Thr (NM_001322832.2, NM_001410940.1, NM_002247.4); c.2171T>C, p.Ile724Thr (NM_001322838.2); short protein forms I724T, I825T, I875T, I878T, I879T, I882T, I916T, I933T.
Identifiers: ClinVar variation 2414040 (VCV002414040.9), dbSNP rs563447007, ClinGen allele CA5567988.